The following is an entry in ClinVar:

ClinVar aggregate classification (germline): Uncertain significance (1 of 4 stars; one submission).

Submission:

Centre of Medical Genetics, University Hospital Muenster
Classification: Uncertain significance. Last evaluated: 2021-12-08. Review status: criteria provided, single submitter. Criteria: ACMG Guidelines, 2015. Collection method: clinical testing. Allele origin: unknown. Affected: yes. Observed: 1 variant allele, 1 heterozygote.
Comment: ACMG categories: PM1,PM2,PP3

NM_002336.3(LRP6):c.2543C>G (p.Thr848Arg)

Gene: LRP6 (LDL receptor related protein 6; minus strand). Cytogenetic location: 12p13.2.
Variant type: single nucleotide variant.
Coding change: c.2543C>G on transcript NM_002336.3 (MANE Select); coding-DNA position 2543, C replaced by G.
Protein change: p.Thr848Arg; replaces threonine 848 with arginine.
Molecular consequence: missense variant.
Genome position (GRCh38, 1-based): chr12:12,159,077, G>C on the plus strand (C>G on the coding strand, the complement: LRP6 is on the minus strand). VCF-style: chr12-12159077-G-C. GRCh37 (hg19) VCF-style: chr12-12312011-G-C.
Other names: short protein forms T848R.
Identifiers: ClinVar variation 1708326 (VCV001708326.3), dbSNP rs2136937944, ClinGen allele CA383944227.
Genomic context (GRCh38, chr12:12,159,077, plus strand): 5'-ATGGTGCGGTTTTGGCCACTGGTTTTGTTGGCACGCTCAATGCTGCGTCGGCTCCAGTCC[G>C]TCCAGTAGATATAATCTTGGTACTGAGTTAAGCCAAAAGGATGAGGCAAGTCATCTGCTA-3'
Protein context (NP_002327.2, residues 838-858): LTQYQDYIYW[Thr848Arg]DWSRRSIERA